The following is an entry in ClinVar:

ClinVar aggregate classification (germline): Benign. Review status: criteria provided, multiple submitters, no conflicts (2 of 4 stars). 8 submissions from 8 submitters: Benign (6). 2 of the submissions do not count toward it. Last evaluated 2026-02-02.

Conditions:
Charcot-Marie-Tooth disease dominant intermediate E. Also called: CHARCOT-MARIE-TOOTH NEUROPATHY WITH FOCAL SEGMENTAL GLOMERULONEPHRITIS. Identifiers: Orphanet 93114, MedGen C4302667, MONDO:0013758, OMIM 614455.
Focal segmental glomerulosclerosis 5 (FSGS5). Identifiers: Orphanet 656, MedGen C2750475, MONDO:0013191, OMIM 613237.

Allele frequency attached by ClinVar (database versions not stated): gnomAD exomes 0.01630; ExAC 0.01924; ESP Exome Variant Server 0.06261; gnomAD 0.06278 and 0.06749; TOPMed 0.07031; 1000 Genomes Project 0.07089; 1000 Genomes Project 30x 0.07558.
gnomAD v4.1: 19,287 of 1,611,780 alleles (1.2%); highest among the groups gnomAD compares: African/African-American, 22%; 1,856 homozygotes.

Submissions (19):

Labcorp Genetics (formerly Invitae), Labcorp
Classification: Benign for Charcot-Marie-Tooth disease dominant intermediate E; Focal segmental glomerulosclerosis 5. Last evaluated: 2026-02-02. Review status: criteria provided, single submitter. Criteria: Invitae Variant Classification Sherloc (09022015). Collection method: clinical testing. Allele origin: germline.

Blueprint Genetics
Classification: Benign. Last evaluated: 2024-11-27. Review status: criteria provided, single submitter. Criteria: ACMG Guidelines, 2015. Collection method: clinical testing. Allele origin: germline.

Illumina Laboratory Services, Illumina
Classification: Benign for Focal segmental glomerulosclerosis 5. Last evaluated: 2018-01-12. Review status: criteria provided, single submitter. Criteria: ICSL Variant Classification Criteria 13 December 2019. Collection method: clinical testing. Allele origin: germline.
Comment: This variant was observed in the ICSL laboratory as part of a predisposition screen in an ostensibly healthy population. It had not been previously curated by ICSL or reported in the Human Gene Mutation Database (HGMD: prior to June 1st, 2018), and was therefore a candidate for classification through an automated scoring system. Utilizing variant allele frequency, disease prevalence and penetrance estimates, and inheritance mode, an automated score was calculated to assess if this variant is too frequent to cause the disease. Based on the score and internal cut-off values, a variant classified as benign is not then subjected to further curation. The score for this variant resulted in a classification of benign for this disease.

GeneDx
Classification: Benign. Last evaluated: 2016-01-06. Review status: criteria provided, single submitter. Criteria: GeneDx Variant Classification (06012015). Collection method: clinical testing. Allele origin: germline. Affected: yes.
Comment: This variant is considered likely benign or benign based on one or more of the following criteria: it is a conservative change, it occurs at a poorly conserved position in the protein, it is predicted to be benign by multiple in silico algorithms, and/or has population frequency not consistent with disease.

Breakthrough Genomics
Classification: Benign. Review status: criteria provided, single submitter. Criteria: ACMG Guidelines, 2015. Collection method: not provided. Allele origin: germline. Inheritance: Autosomal dominant inheritance. Affected: yes.

PreventionGenetics, part of Exact Sciences
Classification: Benign. Review status: criteria provided, single submitter. Criteria: ACMG Guidelines, 2015. Collection method: clinical testing. Allele origin: germline.

Clinical Genetics, Academic Medical Center
Classification: Benign. Review status: no assertion criteria provided. Collection method: clinical testing. Allele origin: germline. Affected: yes. Study: VKGL Data-share Consensus. Not counted in ClinVar's aggregate classification.

Dr. Peter K. Rogan Lab, Western University
No classification provided (evidence only). Condition: Lung cancer. Review status: no classification provided. Collection method: in vitro. Allele origin: not applicable. Functional consequence: retained intron. Not counted in ClinVar's aggregate classification.

Dr. Peter K. Rogan Lab, Western University
No classification provided (evidence only). Condition: Acute myeloid leukemia. Review status: no classification provided. Collection method: in vitro. Allele origin: not applicable. Functional consequence: retained intron. Not counted in ClinVar's aggregate classification.

Dr. Peter K. Rogan Lab, Western University
No classification provided (evidence only). Condition: Acute myeloid leukemia. Review status: no classification provided. Collection method: in vitro. Allele origin: not applicable. Functional consequence: retained intron. Not counted in ClinVar's aggregate classification.

Dr. Peter K. Rogan Lab, Western University
No classification provided (evidence only). Condition: Cervical cancer. Review status: no classification provided. Collection method: in vitro. Allele origin: not applicable. Functional consequence: retained intron. Not counted in ClinVar's aggregate classification.

Dr. Peter K. Rogan Lab, Western University
No classification provided (evidence only). Condition: Cervical cancer. Review status: no classification provided. Collection method: in vitro. Allele origin: not applicable. Functional consequence: retained intron. Not counted in ClinVar's aggregate classification.

Dr. Peter K. Rogan Lab, Western University
No classification provided (evidence only). Condition: Sarcoma. Review status: no classification provided. Collection method: in vitro. Allele origin: not applicable. Functional consequence: retained intron. Not counted in ClinVar's aggregate classification.

Dr. Peter K. Rogan Lab, Western University
No classification provided (evidence only). Condition: Ovarian serous cystadenocarcinoma. Review status: no classification provided. Collection method: in vitro. Allele origin: not applicable. Functional consequence: retained intron. Not counted in ClinVar's aggregate classification.

Dr. Peter K. Rogan Lab, Western University
No classification provided (evidence only). Condition: Gastric cancer. Review status: no classification provided. Collection method: in vitro. Allele origin: not applicable. Functional consequence: retained intron. Not counted in ClinVar's aggregate classification.

Dr. Peter K. Rogan Lab, Western University
No classification provided (evidence only). Condition: Uterine carcinosarcoma. Review status: no classification provided. Collection method: in vitro. Allele origin: not applicable. Functional consequence: retained intron. Not counted in ClinVar's aggregate classification.

Dr. Peter K. Rogan Lab, Western University
No classification provided (evidence only). Condition: Malignant tumor of esophagus. Review status: no classification provided. Collection method: in vitro. Allele origin: not applicable. Functional consequence: retained intron. Not counted in ClinVar's aggregate classification.

Dr. Peter K. Rogan Lab, Western University
No classification provided (evidence only). Condition: Malignant tumor of esophagus. Review status: no classification provided. Collection method: in vitro. Allele origin: not applicable. Functional consequence: retained intron. Not counted in ClinVar's aggregate classification.

Joint Genome Diagnostic Labs from Nijmegen and Maastricht, Radboudumc and MUMC+
Classification: Benign. Review status: no assertion criteria provided. Collection method: clinical testing. Allele origin: germline. Affected: yes. Study: VKGL Data-share Consensus. Not counted in ClinVar's aggregate classification.

NM_022489.4(INF2):c.2775+15C>T

Gene: INF2 (inverted formin 2; plus strand). Cytogenetic location: 14q32.33.
Variant type: single nucleotide variant.
Coding change: c.2775+15C>T on transcript NM_022489.4 (MANE Select); 15 bases into the intron after coding-DNA position 2775, C replaced by T.
Molecular consequence: intron variant.
Genome position (GRCh38, 1-based): chr14:104,713,007, C>T. VCF-style: chr14-104713007-C-T. GRCh37 (hg19) VCF-style: chr14-105179344-C-T.
Other names: c.2775+15C>T (NM_001031714.4).
Identifiers: ClinVar variation 261612 (VCV000261612.23), dbSNP rs73347508, ClinGen allele CA7373067.